The following is an entry in ClinVar:

NM_001365951.3(KIF1B):c.3198A>G (p.Gly1066=)

Gene: KIF1B (kinesin family member 1B; plus strand). Cytogenetic location: 1p36.22.
Variant type: single nucleotide variant.
Coding change: c.3198A>G on transcript NM_001365951.3 (MANE Select); coding-DNA position 3198, A replaced by G.
Protein change: p.Gly1066=; no amino-acid change (glycine 1066 retained).
Molecular consequence: synonymous variant.
Genome position (GRCh38, 1-based): chr1:10,337,142, A>G. VCF-style: chr1-10337142-A-G. GRCh37 (hg19) VCF-style: chr1-10397200-A-G.
Other names: c.3198A>G, p.Gly1066= (NM_001365952.1); c.3060A>G, p.Gly1020= (NM_015074.3).
Identifiers: ClinVar variation 3054647 (VCV003054647.3), dbSNP rs372610670, ClinGen allele CA415882276.

ClinVar aggregate classification (germline): Likely benign. Review status: criteria provided, single submitter (1 of 4 stars). 2 submissions from 2 submitters: Likely benign (1). 1 of the submissions does not count toward it. Last evaluated 2024-12-08.

Conditions:
KIF1B-related disorder. Also called: KIF1B-related condition.

Allele frequency attached by ClinVar (database versions not stated): gnomAD exomes below 0.00001.
gnomAD v4.1: 1 of 1,614,148 alleles (0.000062%); highest among the groups gnomAD compares: Non-Finnish European, 0.000085%; no homozygotes.

Submissions (2):

Ambry Genetics
Classification: Likely benign. Last evaluated: 2024-12-08. Review status: criteria provided, single submitter. Criteria: Ambry Variant Classification Scheme 2023. Collection method: clinical testing. Allele origin: germline.

PreventionGenetics, part of Exact Sciences
Classification: Likely benign for KIF1B-related condition. Last evaluated: 2023-12-06. Review status: no assertion criteria provided. Collection method: clinical testing. Allele origin: germline. Not counted in ClinVar's aggregate classification.
Comment: This variant is classified as likely benign based on ACMG/AMP sequence variant interpretation guidelines (Richards et al. 2015 PMID: 25741868, with internal and published modifications).